The following is an entry in ClinVar:

NM_024753.5(TTC21B):c.1465C>T (p.Pro489Ser)

Gene: TTC21B (tetratricopeptide repeat domain 21B; minus strand). Cytogenetic location: 2q24.3.
Variant type: single nucleotide variant.
Coding change: c.1465C>T on transcript NM_024753.5 (MANE Select); coding-DNA position 1465, C replaced by T.
Protein change: p.Pro489Ser; replaces proline 489 with serine.
Molecular consequence: missense variant.
Genome position (GRCh38, 1-based): chr2:165,924,600, G>A on the plus strand (C>T on the coding strand, the complement: TTC21B is on the minus strand). VCF-style: chr2-165924600-G-A. GRCh37 (hg19) VCF-style: chr2-166781110-G-A.
Other names: short protein forms P489S.
Identifiers: ClinVar variation 4986488 (VCV004986488.1).

ClinVar aggregate classification (germline): Uncertain significance (1 of 4 stars; one submission).

Conditions:
TTC21B-related disorder. Also called: TTC21B-related condition; TTC21B-related disorders.

gnomAD v4.1: 1 of 1,613,584 alleles (0.000062%); highest among the groups gnomAD compares: Non-Finnish European, 0.000085%; no homozygotes.

Submission:

PreventionGenetics, part of Exact Sciences
Classification: Uncertain significance for TTC21B-related condition. Last evaluated: 2025-10-31. Review status: criteria provided, single submitter. Criteria: ACMG Guidelines, 2015. Collection method: clinical testing. Allele origin: germline.
Comment: The TTC21B c.1465C>T variant is predicted to result in the amino acid substitution p.Pro489Ser. To our knowledge, this variant has not been reported in the literature or in a large population database (gnomAD), indicating this variant is rare. At this time, the clinical significance of this variant is uncertain due to the absence of conclusive functional and genetic evidence.